The following is an entry in ClinVar:

NM_001540.5(HSPB1):c.253G>A (p.Val85Ile)

Gene: HSPB1 (heat shock protein family B (small) member 1; plus strand). Cytogenetic location: 7q11.23.
Variant type: single nucleotide variant.
Coding change: c.253G>A on transcript NM_001540.5 (MANE Select); coding-DNA position 253, G replaced by A.
Protein change: p.Val85Ile; replaces valine 85 with isoleucine.
Molecular consequence: missense variant.
Genome position (GRCh38, 1-based): chr7:76,302,965, G>A. VCF-style: chr7-76302965-G-A. GRCh37 (hg19) VCF-style: chr7-75932282-G-A.
Other names: short protein forms V85I.
Identifiers: ClinVar variation 1406771 (VCV001406771.6), dbSNP rs773758650, ClinGen allele CA367763205.

ClinVar aggregate classification (germline): Uncertain significance (1 of 4 stars; one submission).

Conditions:
Charcot-Marie-Tooth disease axonal type 2F (CMT2F). Also called: CHARCOT-MARIE-TOOTH DISEASE, NEURONAL, TYPE 2F; Charcot-Marie-Tooth Neuropathy Type 2F. Identifiers: Orphanet 99940, MedGen C1847823, MONDO:0011687, OMIM 606595.

gnomAD v4.1: 5 of 1,544,300 alleles (0.00032%); highest among the groups gnomAD compares: East Asian, 0.012%; no homozygotes.

Submission:

Labcorp Genetics (formerly Invitae), Labcorp
Classification: Uncertain significance for Charcot-Marie-Tooth disease axonal type 2F. Last evaluated: 2025-08-16. Review status: criteria provided, single submitter. Criteria: Invitae Variant Classification Sherloc (09022015). Collection method: clinical testing. Allele origin: germline.
Comment: This sequence change replaces valine, which is neutral and non-polar, with isoleucine, which is neutral and non-polar, at codon 85 of the HSPB1 protein (p.Val85Ile). This variant is not present in population databases (gnomAD no frequency). This variant has not been reported in the literature in individuals affected with HSPB1-related conditions. ClinVar contains an entry for this variant (Variation ID: 1406771). Invitae Evidence Modeling of protein sequence and biophysical properties (such as structural, functional, and spatial information, amino acid conservation, physicochemical variation, residue mobility, and thermodynamic stability) indicates that this missense variant is not expected to disrupt HSPB1 protein function with a negative predictive value of 95%. In summary, the available evidence is currently insufficient to determine the role of this variant in disease. Therefore, it has been classified as a Variant of Uncertain Significance.